The following is an entry in ClinVar:

ClinVar aggregate classification (germline): Uncertain significance. Review status: criteria provided, multiple submitters, no conflicts (2 of 4 stars). 4 submissions from 4 submitters: Uncertain significance (3). 1 of the submissions does not count toward it. Last evaluated 2025-03-14.

Conditions:
MYBPC3-related disorder. Also called: MYBPC3-related condition; MYBPC3-related disease; MYBPC3-related disorders.
Hypertrophic cardiomyopathy 4. Also called: Familial hypertrophic cardiomyopathy 4. Identifiers: MedGen C1861862, MONDO:0007268, OMIM 115197.
Left ventricular noncompaction 10 (LVNC10). Identifiers: Orphanet 154, Orphanet 54260, MedGen C3715165, MONDO:0014163, OMIM 615396.
Wolff-Parkinson-White pattern. Also called: WPW SYNDROME; Auriculoventricular accessory pathway syndrome; False bundle branch block syndrome; Anomalous ventricular excitation syndrome. Identifiers: MedGen C0043202, MONDO:0008685, OMIM 194200, HP:0001716.
Hypertrophic cardiomyopathy. Also called: HYPERTROPHIC MYOCARDIOPATHY. Identifiers: Orphanet 217569, MedGen C0007194, MeSH D002312, MONDO:0005045, HP:0001639.

Allele frequency attached by ClinVar (database versions not stated): gnomAD exomes below 0.00001.
gnomAD v4.1: 3 of 1,589,616 alleles (0.00019%); highest among the groups gnomAD compares: Admixed American, 0.0035%; no homozygotes.

Submissions (4):

PreventionGenetics, part of Exact Sciences
Classification: Uncertain significance for MYBPC3-related condition. Last evaluated: 2025-03-14. Review status: criteria provided, single submitter. Criteria: ACMG Guidelines, 2015. Collection method: clinical testing. Allele origin: germline.
Comment: The MYBPC3 c.1219G>C variant is predicted to result in the amino acid substitution p.Gly407Arg. This variant has reported in an individual with Wolff-Parkinson-White syndrome (Coban-Akdemir et al. 2020. PubMed ID: 32233023). This variant is reported in 0.0033% of alleles in individuals of Latino descent in gnomAD. Alternate missense changes at the same amino acid position (p.Gly407Ser and p.Gly407Asp) have been reported in individuals with dilated cardiomyopathy or hypertrophic cardiomyopathy (Table S2, Waldmüller et al. 2011. PubMed ID: 21750094; Wang et al. 2014. PubMed ID: 25132132). At this time, the clinical significance of the c.1219G>C (p.Gly407Arg) variant is uncertain due to the absence of conclusive functional and genetic evidence.

Labcorp Genetics (formerly Invitae), Labcorp
Classification: Uncertain significance for Hypertrophic cardiomyopathy. Last evaluated: 2024-12-17. Review status: criteria provided, single submitter. Criteria: Invitae Variant Classification Sherloc (09022015). Collection method: clinical testing. Allele origin: germline.
Comment: This sequence change replaces glycine, which is neutral and non-polar, with arginine, which is basic and polar, at codon 407 of the MYBPC3 protein (p.Gly407Arg). This variant is present in population databases (no rsID available, gnomAD 0.007%). This missense change has been observed in individual(s) with Wolff-Parkinson-White syndrome (PMID: 32233023). ClinVar contains an entry for this variant (Variation ID: 487636). An algorithm developed to predict the effect of missense changes on protein structure and function (PolyPhen-2) suggests that this variant is likely to be disruptive. In summary, the available evidence is currently insufficient to determine the role of this variant in disease. Therefore, it has been classified as a Variant of Uncertain Significance.

Fulgent Genetics
Classification: Uncertain significance for Hypertrophic cardiomyopathy 4; Left ventricular noncompaction 10. Last evaluated: 2021-08-12. Review status: criteria provided, single submitter. Criteria: ACMG Guidelines, 2015. Collection method: clinical testing. Allele origin: unknown.

Lupski Lab, Baylor-Hopkins CMG, Baylor College of Medicine
Classification: Uncertain significance for Wolff-Parkinson-White pattern. Last evaluated: 2017-07-14. Review status: no assertion criteria provided. Collection method: research. Allele origin: unknown. Affected: yes. Observed: 1 variant allele. Study: Candidate_variants_in_patients_with_ Wolff-Parkinson-White Syndrome. Not counted in ClinVar's aggregate classification.

Literature cited by the submitters: PubMed 32233023 (cited by Labcorp Genetics (formerly Invitae), Labcorp).

NM_000256.3(MYBPC3):c.1219G>C (p.Gly407Arg)

Gene: MYBPC3 (myosin binding protein C3; minus strand). Cytogenetic location: 11p11.2.
Variant type: single nucleotide variant.
Coding change: c.1219G>C on transcript NM_000256.3 (MANE Select); coding-DNA position 1219, G replaced by C.
Protein change: p.Gly407Arg; replaces glycine 407 with arginine.
Molecular consequence: missense variant.
Genome position (GRCh38, 1-based): chr11:47,343,496, C>G on the plus strand (G>C on the coding strand, the complement: MYBPC3 is on the minus strand). VCF-style: chr11-47343496-C-G. GRCh37 (hg19) VCF-style: chr11-47365047-C-G.
Other names: c.1219G>C, p.Gly407Arg (LRG_386t1); short protein forms G407R.
Identifiers: ClinVar variation 487636 (VCV000487636.6), dbSNP rs727505266, ClinGen allele CA380328444.